The following is an entry in ClinVar:

ClinVar aggregate classification (germline): Uncertain significance (1 of 4 stars; one submission).

Conditions:
Complement component 3 deficiency. Identifiers: Orphanet 280133, MedGen C3151071, MONDO:0013417, OMIM 613779.
C3 glomerulonephritis. Also called: Nephropathy due to CFHR5 Deficiency; C3 GLOMERULOPATHY 3. Identifiers: Orphanet 329931, MedGen C4055342, MONDO:0013892, OMIM 614809.
Atypical hemolytic-uremic syndrome. Identifiers: Orphanet 2134, MedGen C2931788, MONDO:0016244.

Submission:

Genomenon, Inc
Classification: Uncertain significance for Complement component 3 deficiency; C3 glomerulonephritis; Atypical hemolytic-uremic syndrome. Last evaluated: 2025-09-30. Review status: criteria provided, single submitter. Criteria: Genomenon Sequence Variant Interpretation Standards. Collection method: curation. Allele origin: germline. Affected: no.
Comment: C3 p.Asp1285Ala (c.3854A>C) is a missense variant that changes the amino acid at residue 1285 from Aspartic acid to Alanine. This variant has been reported in the published literature (PMID:20951140;11034390;27814381). It is absent or not present at a significant frequency in gnomAD. In silico models agree that this variant is not damaging. In conclusion, we classify C3 p.Asp1285Ala (c.3854A>C) as a variant of unknown significance.

Literature cited by the submitters: PubMed 20951140; PubMed 11034390; PubMed 27814381.

NM_000064.4(C3):c.3854A>C (p.Asp1285Ala)

Gene: C3 (complement C3; minus strand). Cytogenetic location: 19p13.3.
Variant type: single nucleotide variant.
Coding change: c.3854A>C on transcript NM_000064.4 (MANE Select); coding-DNA position 3854, A replaced by C.
Protein change: p.Asp1285Ala; replaces aspartic acid 1285 with alanine.
Molecular consequence: missense variant.
Genome position (GRCh38, 1-based): chr19:6,685,103, T>G on the plus strand (A>C on the coding strand, the complement: C3 is on the minus strand). VCF-style: chr19-6685103-T-G. GRCh37 (hg19) VCF-style: chr19-6685114-T-G.
Other names: short protein forms D1285A.
Identifiers: ClinVar variation 4280229 (VCV004280229.1).